The following is an entry in ClinVar:

NM_001395656.1(ROBO2):c.1389G>A (p.Pro463=)

Gene: ROBO2 (roundabout guidance receptor 2; plus strand). Cytogenetic location: 3p12.3.
Variant type: single nucleotide variant.
Coding change: c.1389G>A on transcript NM_001395656.1 (MANE Select); coding-DNA position 1389, G replaced by A.
Protein change: p.Pro463=; no amino-acid change (proline 463 retained).
Molecular consequence: synonymous variant. On other transcripts: 5 prime UTR variant (1).
Genome position (GRCh38, 1-based): chr3:77,558,089, G>A. VCF-style: chr3-77558089-G-A. GRCh37 (hg19) VCF-style: chr3-77607240-G-A.
Other names: NC_000003.11:g.77607240G>A; c.1425G>A, p.Pro475= (NM_001128929.3); c.1389G>A, p.Pro463= (NM_001290039.2, NM_001290040.2, NM_001378202.1); c.-542G>A (NM_001290065.2); c.1437G>A, p.Pro479= (NM_001378190.1, NM_001378191.1, NM_001378195.1 and 4 more transcripts); c.1458G>A, p.Pro486= (NM_001378192.1, NM_001378194.1, NM_001378198.1 and 2 more transcripts); c.1377G>A, p.Pro459= (NM_001378193.1, NM_001378197.1, NM_002942.5); c.1446G>A, p.Pro482= (NM_001394212.1, NM_001394214.1, NM_001395657.1).
Identifiers: ClinVar variation 3589550 (VCV003589550.3).

ClinVar aggregate classification (germline): Uncertain significance. Review status: criteria provided, multiple submitters, no conflicts (2 of 4 stars). 2 submissions from 2 submitters: Uncertain significance (2). Last evaluated 2025-04-23.

Conditions:
Vesicoureteral reflux 2 (VUR2). Identifiers: Orphanet 289365, MedGen C1970483, MONDO:0012573, OMIM 610878.

gnomAD v4.1: 17 of 1,612,976 alleles (0.0011%); highest among the groups gnomAD compares: South Asian, 0.0033%; no homozygotes.

Submissions (3):

Labcorp Genetics (formerly Invitae), Labcorp
Classification: Uncertain significance. Last evaluated: 2025-04-23. Review status: criteria provided, single submitter. Criteria: Invitae Variant Classification Sherloc (09022015). Collection method: clinical testing. Allele origin: germline.
Comment: This sequence change affects codon 459 of the ROBO2 mRNA. It is a 'silent' change, meaning that it does not change the encoded amino acid sequence of the ROBO2 protein. This variant is present in population databases (no rsID available, gnomAD 0.004%). This variant has not been reported in the literature in individuals affected with ROBO2-related conditions. ClinVar contains an entry for this variant (Variation ID: 3589550). Algorithms developed to predict the effect of sequence changes on RNA splicing suggest that this variant may create or strengthen a splice site. In summary, the available evidence is currently insufficient to determine the role of this variant in disease. Therefore, it has been classified as a Variant of Uncertain Significance.

Fulgent Genetics
Classification: Uncertain significance for Vesicoureteral reflux 2. Last evaluated: 2024-03-26. Review status: criteria provided, single submitter. Criteria: ACMG Guidelines, 2015. Collection method: clinical testing. Allele origin: germline.

Dr. Peter K. Rogan Lab, Western University
No classification provided (evidence only). Condition: Gastric cancer. Review status: no classification provided. Collection method: in vitro. Allele origin: not applicable. Functional consequence: retained intron. Not counted in ClinVar's aggregate classification.